The following is an entry in ClinVar:

ClinVar aggregate classification (germline): Uncertain significance. Review status: criteria provided, multiple submitters, no conflicts (2 of 4 stars). 3 submissions from 3 submitters: Uncertain significance (3). Last evaluated 2025-05-14.

Conditions:
Cardiovascular phenotype. Identifiers: MedGen CN230736.
Cardiomyopathy (CMYO). Also called: Cardiomyopathies. Identifiers: Orphanet 167848, MedGen C0878544, MONDO:0004994, HP:0001638. Inheritance: Various modes of inheritance.
Arrhythmogenic right ventricular dysplasia 11. Also called: ARRHYTHMOGENIC RIGHT VENTRICULAR DYSPLASIA, FAMILIAL, 11; Arrhythmogenic Right Ventricular Dysplasia/Cardiomyopathy11; Arrhythmogenic right ventricular dysplasia 11 with mild palmoplantar keratoderma and woolly hair. Identifiers: MedGen C1864850, MONDO:0012506, OMIM 610476.

Allele frequency attached by ClinVar (database versions not stated): TOPMed 0.00001; gnomAD exomes 0.00001; gnomAD 0.00002.
gnomAD v4.1: 12 of 1,613,548 alleles (0.00074%); highest among the groups gnomAD compares: Non-Finnish European, 0.00085%; no homozygotes.

Submissions (3):

Labcorp Genetics (formerly Invitae), Labcorp
Classification: Uncertain significance for Arrhythmogenic right ventricular dysplasia 11. Last evaluated: 2025-05-14. Review status: criteria provided, single submitter. Criteria: Invitae Variant Classification Sherloc (09022015). Collection method: clinical testing. Allele origin: germline.
Comment: This sequence change replaces isoleucine, which is neutral and non-polar, with valine, which is neutral and non-polar, at codon 345 of the DSC2 protein (p.Ile345Val). This variant is present in population databases (no rsID available, gnomAD 0.002%). This variant has not been reported in the literature in individuals affected with DSC2-related conditions. ClinVar contains an entry for this variant (Variation ID: 925586). Invitae Evidence Modeling of protein sequence and biophysical properties (such as structural, functional, and spatial information, amino acid conservation, physicochemical variation, residue mobility, and thermodynamic stability) indicates that this missense variant is not expected to disrupt DSC2 protein function with a negative predictive value of 80%. In summary, the available evidence is currently insufficient to determine the role of this variant in disease. Therefore, it has been classified as a Variant of Uncertain Significance.

Color Diagnostics, LLC DBA Color Health
Classification: Uncertain significance for Cardiomyopathy. Last evaluated: 2024-03-06. Review status: criteria provided, single submitter. Criteria: ACMG Guidelines, 2015. Collection method: clinical testing. Allele origin: germline.
Comment: This missense variant replaces isoleucine with valine at codon 345 of the DSC2 protein. Computational prediction suggests that this variant may not impact protein structure and function (internally defined REVEL score threshold <= 0.5, PMID: 27666373). To our knowledge, functional studies have not been reported for this variant. This variant has not been reported in individuals affected with cardiovascular disorders in the literature. This variant has been identified in 2/251086 chromosomes in the general population by the Genome Aggregation Database (gnomAD). The available evidence is insufficient to determine the role of this variant in disease conclusively. Therefore, this variant is classified as a Variant of Uncertain Significance.

Ambry Genetics
Classification: Uncertain significance for Cardiovascular phenotype. Last evaluated: 2023-11-29. Review status: criteria provided, single submitter. Criteria: Ambry Variant Classification Scheme 2023. Collection method: clinical testing. Allele origin: germline.
Comment: The p.I345V variant (also known as c.1033A>G), located in coding exon 8 of the DSC2 gene, results from an A to G substitution at nucleotide position 1033. The isoleucine at codon 345 is replaced by valine, an amino acid with highly similar properties. This amino acid position is conserved. In addition, this alteration is predicted to be tolerated by in silico analysis. Since supporting evidence is limited at this time, the clinical significance of this alteration remains unclear.

NM_024422.6(DSC2):c.1033A>G (p.Ile345Val)

Gene: DSC2 (desmocollin 2; minus strand). Cytogenetic location: 18q12.1.
Variant type: single nucleotide variant.
Coding change: c.1033A>G on transcript NM_024422.6 (MANE Select); coding-DNA position 1033, A replaced by G.
Protein change: p.Ile345Val; replaces isoleucine 345 with valine.
Molecular consequence: missense variant.
Genome position (GRCh38, 1-based): chr18:31,082,970, T>C on the plus strand (A>G on the coding strand, the complement: DSC2 is on the minus strand). VCF-style: chr18-31082970-T-C. GRCh37 (hg19) VCF-style: chr18-28662936-T-C.
Other names: c.1033A>G, p.Ile345Val (NM_004949.5); short protein forms I345V.
Identifiers: ClinVar variation 925586 (VCV000925586.14), dbSNP rs1177194145, ClinGen allele CA402110531.